The following is an entry in ClinVar:

ClinVar aggregate classification (germline): Uncertain significance (1 of 4 stars; one submission).

Conditions:
Glycogen storage disease type III (GSD3). Also called: Cori disease; FORBES DISEASE. Identifiers: Orphanet 366, MedGen C0017922, MONDO:0009291, OMIM 232400.

Allele frequency attached by ClinVar (database versions not stated): gnomAD exomes 0.00002; ExAC 0.00003.
gnomAD v4.1: 12 of 1,614,020 alleles (0.00074%); highest among the groups gnomAD compares: South Asian, 0.013%; no homozygotes.

Submission:

Labcorp Genetics (formerly Invitae), Labcorp
Classification: Uncertain significance for Glycogen storage disease type III. Last evaluated: 2022-07-29. Review status: criteria provided, single submitter. Criteria: Invitae Variant Classification Sherloc (09022015). Collection method: clinical testing. Allele origin: germline.
Comment: This sequence change replaces asparagine, which is neutral and polar, with aspartic acid, which is acidic and polar, at codon 49 of the AGL protein (p.Asn49Asp). This variant is present in population databases (rs751982392, gnomAD 0.02%). This variant has not been reported in the literature in individuals affected with AGL-related conditions. ClinVar contains an entry for this variant (Variation ID: 1415807). Algorithms developed to predict the effect of missense changes on protein structure and function are either unavailable or do not agree on the potential impact of this missense change (SIFT: "Tolerated"; PolyPhen-2: "Possibly Damaging"; Align-GVGD: "Class C0"). Algorithms developed to predict the effect of sequence changes on RNA splicing suggest that this variant may create or strengthen a splice site. In summary, the available evidence is currently insufficient to determine the role of this variant in disease. Therefore, it has been classified as a Variant of Uncertain Significance.

NM_000642.3(AGL):c.145A>G (p.Asn49Asp)

Gene: AGL (amylo-alpha-1,6-glucosidase and 4-alpha-glucanotransferase; plus strand). Cytogenetic location: 1p21.2.
Variant type: single nucleotide variant.
Coding change: c.145A>G on transcript NM_000642.3 (MANE Select); coding-DNA position 145, A replaced by G.
Protein change: p.Asn49Asp; replaces asparagine 49 with aspartic acid.
Molecular consequence: missense variant.
Genome position (GRCh38, 1-based): chr1:99,861,565, A>G. VCF-style: chr1-99861565-A-G. GRCh37 (hg19) VCF-style: chr1-100327121-A-G.
Other names: c.145A>G, p.Asn49Asp (NM_000028.3, NM_000643.3, NM_000644.3 and 5 more transcripts); c.97A>G, p.Asn33Asp (NM_000646.3); short protein forms N49D, N33D.
Identifiers: ClinVar variation 1415807 (VCV001415807.5), dbSNP rs751982392, ClinGen allele CA966073.
Genomic context (GRCh38, chr1:99,861,565, plus strand): 5'-TATGAGCTACAGTTCCGATTAGGCCCAACTTTACAGGGAAAAGCAGTTACCGTGTATACA[A>G]ATTACCCATTTCCTGGAGAAACATTTAATAGAGAAAAATTCCGTTCTCTGGATTGGGAAA-3'
Protein context (NP_000633.2, residues 39-59): LQGKAVTVYT[Asn49Asp]YPFPGETFNR